The following is an entry in ClinVar:

ClinVar aggregate classification (germline): Uncertain significance (0 of 4 stars; one submission).

Conditions:
RECQL5-related disorder. Also called: RECQL5-related condition.

gnomAD v4.1: 156 of 1,613,002 alleles (0.0097%); highest among the groups gnomAD compares: East Asian, 0.036%; no homozygotes.

Submission:

PreventionGenetics, part of Exact Sciences
Classification: Uncertain significance for RECQL5-related condition. Last evaluated: 2024-08-19. Review status: no assertion criteria provided. Collection method: clinical testing. Allele origin: germline.
Comment: The RECQL5 c.1327C>T variant is predicted to result in the amino acid substitution p.Arg443Trp. To our knowledge, this variant has not been reported in the literature. This variant is reported in 0.051% of alleles in individuals of East Asian descent in gnomAD. At this time, the clinical significance of this variant is uncertain due to the absence of conclusive functional and genetic evidence.

NM_004259.7(RECQL5):c.1327C>T (p.Arg443Trp)

Gene: RECQL5 (RecQ like helicase 5; minus strand). Cytogenetic location: 17q25.1.
Variant type: single nucleotide variant.
Coding change: c.1327C>T on transcript NM_004259.7 (MANE Select); coding-DNA position 1327, C replaced by T.
Protein change: p.Arg443Trp; replaces arginine 443 with tryptophan.
Molecular consequence: missense variant.
Genome position (GRCh38, 1-based): chr17:75,631,571, G>A on the plus strand (C>T on the coding strand, the complement: RECQL5 is on the minus strand). VCF-style: chr17-75631571-G-A. GRCh37 (hg19) VCF-style: chr17-73627651-G-A.
Other names: short protein forms R443W.
Identifiers: ClinVar variation 3352494 (VCV003352494.1).
Genomic context (GRCh38, chr17:75,631,571, plus strand): 5'-CCTGGGAGGGCCCGATGCAGGTCTTGCTCCAGCTGCTGCTGCGCTCCAAGGCCTCCAGCC[G>A]CCTCCGCACGGCCGTGGGGTTCTGGCAGTGGTCGCAGCCTTTGGCGCAGGCAGGCAGCGC-3'
Protein context (NP_004250.4, residues 433-453): HCQNPTAVRR[Arg443Trp]LEALERSSSW